The following is an entry in ClinVar:

ClinVar aggregate classification (germline): Pathogenic (1 of 4 stars; one submission).

Submission:

GeneDx
Classification: Pathogenic. Last evaluated: 2016-02-16. Review status: criteria provided, single submitter. Criteria: GeneDx Variant Classification (06012015). Collection method: clinical testing. Allele origin: germline. Affected: yes.
Comment: The Y1930X pathogenic variant in the ANKRD11 gene has not been reported previously as a pathogenic variant nor as a benign variant, to our knowledge. This variant is predicted to cause loss of normal protein function either through protein truncation or nonsense-mediated mRNA decay. The Y1930X variant was not observed in approximately 6200 individuals of European and African American ancestry in the NHLBI Exome Sequencing Project, indicating it is not a common benign variant in these populations. We interpret Y1930X as a pathogenic variant.

NM_013275.6(ANKRD11):c.5790C>G (p.Tyr1930Ter)

Gene: ANKRD11 (ankyrin repeat domain containing 11; minus strand). Cytogenetic location: 16q24.3.
Variant type: single nucleotide variant.
Coding change: c.5790C>G on transcript NM_013275.6 (MANE Select); coding-DNA position 5790, C replaced by G.
Protein change: p.Tyr1930Ter; replaces tyrosine 1930 with a stop codon.
Molecular consequence: nonsense.
Genome position (GRCh38, 1-based): chr16:89,280,752, G>C on the plus strand (C>G on the coding strand, the complement: ANKRD11 is on the minus strand). VCF-style: chr16-89280752-G-C. GRCh37 (hg19) VCF-style: chr16-89347160-G-C.
Other names: c.5790C>G, p.Tyr1930Ter (NM_001256182.2, NM_001256183.2); short protein forms Y1930*.
Identifiers: ClinVar variation 280353 (VCV000280353.2), dbSNP rs886041574, ClinGen allele CA10603349.